The following is an entry in ClinVar:

ClinVar aggregate classification (germline): Uncertain significance (1 of 4 stars; one submission).

Conditions:
Inborn genetic diseases. Identifiers: MedGen C0950123, MeSH D030342.

gnomAD v4.1: 2 of 1,613,854 alleles (0.00012%); highest among the groups gnomAD compares: East Asian, 0.0045%; no homozygotes.

Submission:

Ambry Genetics
Classification: Uncertain significance for Inborn genetic diseases. Last evaluated: 2026-07-23. Review status: criteria provided, single submitter. Criteria: Ambry Variant Classification Scheme 2023. Collection method: clinical testing. Allele origin: germline.
Comment: The p.T508A variant (also known as c.1522A>G), located in coding exon 16 of the FANCA gene, results from an A to G substitution at nucleotide position 1522. The threonine at codon 508 is replaced by alanine, an amino acid with similar properties. This amino acid position is conserved. In addition, this alteration is predicted to be tolerated by in silico analysis. Based on the available evidence, the clinical significance of this variant remains unclear.

NM_000135.4(FANCA):c.1522A>G (p.Thr508Ala)

Gene: FANCA (FA complementation group A; minus strand). Cytogenetic location: 16q24.3.
Variant type: single nucleotide variant.
Coding change: c.1522A>G on transcript NM_000135.4 (MANE Select); coding-DNA position 1522, A replaced by G.
Protein change: p.Thr508Ala; replaces threonine 508 with alanine.
Molecular consequence: missense variant.
Genome position (GRCh38, 1-based): chr16:89,783,051, T>C on the plus strand (A>G on the coding strand, the complement: FANCA is on the minus strand). VCF-style: chr16-89783051-T-C. GRCh37 (hg19) VCF-style: chr16-89849459-T-C.
Other names: c.1522A>G, p.Thr508Ala (NM_001286167.3); short protein forms T508A.
Identifiers: ClinVar variation 5036370 (VCV005036370.1).